The following is an entry in ClinVar:

ClinVar aggregate classification (germline): Likely pathogenic (1 of 4 stars; one submission).

Conditions:
El Hayek-Chahrour neurodevelopmental disorder. Also called: EL HAYEK-CHAHROUR NEURODEVELOPMENTAL SYNDROME; NEURODEVELOPMENTAL DISORDER WITH ABSENT SPEECH, IMPAIRED INTELLECTUAL DEVELOPMENT, AND AUTISM. Identifiers: MedGen C5935620, MONDO:0970951, OMIM 620820.

Submission:

Victorian Clinical Genetics Services, Murdoch Childrens Research Institute
Classification: Likely pathogenic for El Hayek-Chahrour neurodevelopmental disorder. Last evaluated: 2025-10-07. Review status: criteria provided, single submitter. Criteria: ACMG Guidelines, 2015. Collection method: clinical testing. Allele origin: germline. Affected: yes.
Comment: This variant is classified as Likely pathogenic. Evidence in support of pathogenic classification: Variant is predicted to cause nonsense-mediated decay (NMD) and loss of protein (premature termination codon is located at least 54 nucleotides upstream of the final exon-exon junction); Variant is absent from gnomAD (v2, v3 and v4). Additional information: This variant is heterozygous; This gene is associated with autosomal recessive disease. An autosomal dominant associated has been postulated, however, it is not well established (PMID: 33350388); This variant has no previous evidence of pathogenicity; No published evidence of segregation with disease has been identified for this variant; No published functional evidence has been identified for this variant; Other NMD-predicted variant(s) comparable to the one identified in this case have conflicting previous evidence for pathogenicity. NMD-predicted variants in ClinVar have been classified as VUS, likely pathogenic and pathogenic by clinical laboratories, including as single hits in heterozygous individuals with a range of phenotypes including autism, ADHD, developmental delay and cardiac anomalies. Some individuals also had variants in other genes which may contribute to their phenotypes (personal communication). KDM5A NMD-predicted variants have been reported in the literature in individuals with neurodevelopmental disorder, including a de novo heterozygous individual with p.(Arg1350*) and a compound heterozygous individual with p.(Arg649*) and a copy number variant overlapping KDM5A (PMIDs: 33350388, 39374907); Loss of function is a likely mechanism of disease in this gene and is associated with autosomal recessive El Hayek-Chahrour neurodevelopmental syndrome (MIM#620820). The mechanism of disease is not currently established for the postulated association with autosomal dominant neurodevelopmental disorder (MONDO:0700092), KDM5A-related.

Literature cited by the submitters: PubMed 39374907; PubMed 33350388.

NM_001042603.3(KDM5A):c.50del (p.Pro17fs)

Gene: KDM5A (lysine demethylase 5A; minus strand). Cytogenetic location: 12p13.33.
Variant type: Deletion.
Coding change: c.50del on transcript NM_001042603.3 (MANE Select); coding-DNA position 50, one base deleted (C; older notation c.50delC).
Protein change: p.Pro17fs; shifts the reading frame from proline 17.
Molecular consequence: frameshift variant.
Genome position (GRCh38, 1-based): chr12:389,042, G deleted on the plus strand (C on the coding strand, the reverse complement: KDM5A is on the minus strand); the first of 2 consecutive G bases (chr12:389,042-389,043); deleting either gives the same sequence. VCF-style (leftmost placement, unchanged base first): chr12-389041-TG-T. GRCh37 (hg19) VCF-style: chr12-498207-TG-T.
Other names: short protein forms P17fs.
Identifiers: ClinVar variation 4531407 (VCV004531407.1).
Genomic context (GRCh38, chr12:389,041, plus strand): 5'-GCCGATAAAGCTGAGCGGATCTGTGAACTCCTCCCAACTCGGCTCAAAGACGGGGCACTC[TG>T]GCGGTGGCACGAACTCCGCCGCGTAGCCCCCCGGCCCCACGCCCGCCATTGCAACGGCCG-3'